The following is an entry in ClinVar:

NM_001042492.3(NF1):c.889A>T (p.Lys297Ter)

Gene: NF1 (neurofibromin 1; plus strand). Cytogenetic location: 17q11.2.
Variant type: single nucleotide variant.
Coding change: c.889A>T on transcript NM_001042492.3 (MANE Select); coding-DNA position 889, A replaced by T.
Protein change: p.Lys297Ter; replaces lysine 297 with a stop codon.
Molecular consequence: nonsense.
Genome position (GRCh38, 1-based): chr17:31,200,422, A>T. VCF-style: chr17-31200422-A-T. GRCh37 (hg19) VCF-style: chr17-29527440-A-T.
Other names: c.889A>T, p.Lys297Ter (NM_000267.4, NM_001128147.3); short protein forms K297*.
Identifiers: ClinVar variation 1064551 (VCV001064551.4), dbSNP rs786202384, ClinGen allele CA398995480.

ClinVar aggregate classification (germline): Pathogenic. Review status: criteria provided, multiple submitters, no conflicts (2 of 4 stars). 2 submissions from 2 submitters: Pathogenic (2). Last evaluated 2024-04-29.

Conditions:
Neurofibromatosis, type 1 (NF1). Also called: NEUROFIBROMATOSIS, TYPE I, SOMATIC; Neurofibromatosis, type I; VON RECKLINGHAUSEN DISEASE; Peripheral type neurofibromatosis. Identifiers: Orphanet 636, MedGen C0027831, MONDO:0018975, OMIM 162200. Disease mechanism: loss of function.

Submissions (2):

Labcorp Genetics (formerly Invitae), Labcorp
Classification: Pathogenic for Neurofibromatosis, type 1. Last evaluated: 2024-04-29. Review status: criteria provided, single submitter. Criteria: Invitae Variant Classification Sherloc (09022015). Collection method: clinical testing. Allele origin: germline.
Comment: This sequence change creates a premature translational stop signal (p.Lys297*) in the NF1 gene. It is expected to result in an absent or disrupted protein product. Loss-of-function variants in NF1 are known to be pathogenic (PMID: 10712197, 23913538). This variant is not present in population databases (gnomAD no frequency). This variant has not been reported in the literature in individuals affected with NF1-related conditions. ClinVar contains an entry for this variant (Variation ID: 1064551). Algorithms developed to predict the effect of sequence changes on RNA splicing suggest that this variant may disrupt the consensus splice site. For these reasons, this variant has been classified as Pathogenic.

Division of Genomic Medicine, Department of Advanced Medicine, Medical Research Institute, Kanazawa Medical University
Classification: Pathogenic for Neurofibromatosis, type 1. Last evaluated: 2021-02-03. Review status: criteria provided, single submitter. Criteria: ACMG Guidelines, 2015. Collection method: clinical testing. Allele origin: germline. Affected: yes. Observed: 1 variant allele.
Comment: c.889A>T is absent from controls (PM1). It is judged to be pathogenic according to ACMG Guidelines, 2015.

Literature cited by the submitters: PubMed 10712197 (cited by Labcorp Genetics (formerly Invitae), Labcorp); PubMed 23913538 (cited by Labcorp Genetics (formerly Invitae), Labcorp).